The following is an entry in ClinVar:

ClinVar aggregate classification (germline): Uncertain significance (1 of 4 stars; one submission).

Allele frequency attached by ClinVar (database versions not stated): gnomAD 0.00001; gnomAD exomes 0.00001; TOPMed 0.00001.
gnomAD v4.1: 16 of 1,611,736 alleles (0.00099%); highest among the groups gnomAD compares: Non-Finnish European, 0.0013%; no homozygotes.

Submission:

Labcorp Genetics (formerly Invitae), Labcorp
Classification: Uncertain significance. Last evaluated: 2022-03-13. Review status: criteria provided, single submitter. Criteria: Invitae Variant Classification Sherloc (09022015). Collection method: clinical testing. Allele origin: germline.
Comment: In summary, the available evidence is currently insufficient to determine the role of this variant in disease. Therefore, it has been classified as a Variant of Uncertain Significance. Experimental studies and prediction algorithms are not available or were not evaluated, and the functional significance of this variant is currently unknown. This variant has not been reported in the literature in individuals affected with COL18A1-related conditions. This variant is present in population databases (no rsID available, gnomAD 0.003%). This sequence change replaces glycine, which is neutral and non-polar, with alanine, which is neutral and non-polar, at codon 919 of the COL18A1 protein (p.Gly919Ala).

NM_001379500.1(COL18A1):c.2756G>C (p.Gly919Ala)

Genes: COL18A1 (collagen type XVIII alpha 1 chain; plus strand), SLC19A1 (solute carrier family 19 member 1; minus strand). Cytogenetic location: 21q22.3.
Variant type: single nucleotide variant.
Coding change: c.2756G>C on transcript NM_001379500.1 (MANE Select); coding-DNA position 2756, G replaced by C.
Protein change: p.Gly919Ala; replaces glycine 919 with alanine.
Molecular consequence: missense variant.
Genome position (GRCh38, 1-based): chr21:45,504,444, G>C. VCF-style: chr21-45504444-G-C. GRCh37 (hg19) VCF-style: chr21-46924358-G-C.
Other names: c.3296G>C, p.Gly1099Ala (NM_030582.4); c.4001G>C, p.Gly1334Ala (NM_130444.3); short protein forms G1334A, G919A, G1099A.
Identifiers: ClinVar variation 2196395 (VCV002196395.4), dbSNP rs1439816216, ClinGen allele CA410499147.
Genomic context (GRCh38, chr21:45,504,444, plus strand): 5'-GGCTCCCGTGTAACAAGTGTTTCCGTCCACAGGGGGAGAAGGGAGACCGAGGTGATGCAG[G>C]ACAGAAAGGCGAAAGGGGGGAGCCCGGGGGCGGCGGTTTCTTCGGCTCCAGCCTGCCCGG-3'
Protein context (NP_001366429.1, residues 909-929): KGEKGDRGDA[Gly919Ala]QKGERGEPGG